The following is an entry in ClinVar:

ClinVar aggregate classification (germline): Uncertain significance; other. Review status: criteria provided, multiple submitters, no conflicts (2 of 4 stars). 4 submissions from 4 submitters: Uncertain significance (3). Last evaluated 2025-03-26.

Conditions:
Polycystic kidney disease, adult type (PKD1). Also called: POLYCYSTIC KIDNEY DISEASE, ADULT, TYPE I; Polycystic Kidney, Autosomal Dominant; POLYCYSTIC KIDNEY DISEASE 1 WITH OR WITHOUT POLYCYSTIC LIVER DISEASE; Polycystic Kidney Disease 1, Autosomal Dominant; Polycystic kidney disease 1; Polycystic kidney disease 1, severe. Identifiers: MedGen C3149841, MONDO:0008263, OMIM 173900.
PKD1-related disorder. Also called: PKD1-related condition.

Allele frequency attached by ClinVar (database versions not stated): gnomAD 0.00001; gnomAD exomes 0.00002; TOPMed 0.00003.
gnomAD v4.1: 38 of 1,611,034 alleles (0.0024%); highest among the groups gnomAD compares: East Asian, 0.0089%; no homozygotes.

Submissions (4):

GeneDx
Classification: Uncertain significance. Last evaluated: 2025-03-26. Review status: criteria provided, single submitter. Criteria: GeneDx Variant Classification Process June 2021. Collection method: clinical testing. Allele origin: germline. Affected: yes.
Comment: Identified with a second variant in the PKD1 gene in patients with early-onset autosomal dominant polycystic kidney disease at GeneDx and in published literature but additional evidence regarding phase and segregation is not available for all cases (PMID: 29801666, 33168999); In silico analysis indicates that this missense variant does not alter protein structure/function; This variant is associated with the following publications: (PMID: 33532864, 37372410, 33168999, 29801666)

PreventionGenetics, part of Exact Sciences
Classification: Uncertain significance for PKD1-related condition. Last evaluated: 2022-11-12. Review status: criteria provided, single submitter. Criteria: ACMG Guidelines, 2015. Collection method: clinical testing. Allele origin: germline.
Comment: The PKD1 c.8998C>T variant is predicted to result in the amino acid substitution p.Arg3000Cys. This variant has been suggested to be a hypomorphic allele for autosomal dominant polycystic kidney disease (ADPKD) (Bullich et al. 2018. PubMed ID: 29801666, Supplementary Table 1; Durkie et al. 2020. PubMed ID: 33168999). By itself, this type of variant may cause no disease or only relatively mild disease. However, in combination with other pathogenic variants, it may contribute to disease severity. This variant is reported in 0.011% of alleles in individuals of East Asian descent in gnomAD. At this time, the clinical significance of this variant is uncertain due to the absence of conclusive functional and genetic evidence.

Molecular Biology Laboratory, Fundació Puigvert
Classification: other for Polycystic kidney disease, adult type. Last evaluated: 2020-02-01. Review status: criteria provided, single submitter. Criteria: ACMG Guidelines, 2015. Collection method: research. Allele origin: paternal. Affected: yes. Study: KidneyPanel_2020.

Blueprint Genetics
Classification: Uncertain significance. Last evaluated: 2018-10-26. Review status: criteria provided, single submitter. Criteria: ACMG Guidelines, 2015. Collection method: clinical testing. Allele origin: germline.

Literature cited by the submitters: PubMed 33532864 (cited by Molecular Biology Laboratory, Fundació Puigvert).

NM_001009944.3(PKD1):c.8998C>T (p.Arg3000Cys)

Gene: PKD1 (polycystin 1, transient receptor potential channel interacting; minus strand). Cytogenetic location: 16p13.3.
Variant type: single nucleotide variant.
Coding change: c.8998C>T on transcript NM_001009944.3 (MANE Select); coding-DNA position 8998, C replaced by T.
Protein change: p.Arg3000Cys; replaces arginine 3000 with cysteine.
Molecular consequence: missense variant.
Genome position (GRCh38, 1-based): chr16:2,102,584, G>A on the plus strand (C>T on the coding strand, the complement: PKD1 is on the minus strand). VCF-style: chr16-2102584-G-A. GRCh37 (hg19) VCF-style: chr16-2152585-G-A.
Other names: c.8998C>T, p.Arg3000Cys (NM_000296.4); short protein forms R3000C.
Identifiers: ClinVar variation 974537 (VCV000974537.7), dbSNP rs1279596250, ClinGen allele CA394360985.